The following continues an entry in ClinVar:

NM_002471.4(MYH6):c.3010G>T (p.Ala1004Ser)

Gene: MYH6. ClinVar aggregate classification (germline): Conflicting classifications of pathogenicity. Uncertain significance (2); Likely benign (13).

Submissions 18 to 24 of 24:

Diagnostic Laboratory, Department of Genetics, University Medical Center Groningen
Classification: Likely benign. Review status: no assertion criteria provided. Collection method: clinical testing. Allele origin: germline. Affected: yes. Study: VKGL Data-share Consensus. Not counted in ClinVar's aggregate classification.

Genome Diagnostics Laboratory, University Medical Center Utrecht
Classification: Likely benign. Review status: no assertion criteria provided. Collection method: clinical testing. Allele origin: germline. Affected: yes. Study: VKGL Data-share Consensus. Not counted in ClinVar's aggregate classification.

Joint Genome Diagnostic Labs from Nijmegen and Maastricht, Radboudumc and MUMC+
Classification: Likely benign. Review status: no assertion criteria provided. Collection method: clinical testing. Allele origin: germline. Affected: yes. Study: VKGL Data-share Consensus. Not counted in ClinVar's aggregate classification.

Zaffran Lab, Genetics of Cardiac Diseases Laboratory, Marseille Medical Genetics
Classification: Uncertain significance for hypertrophic cardiomyopathy. Review status: no assertion criteria provided. Collection method: research. Allele origin: unknown. Affected: yes. Not counted in ClinVar's aggregate classification.

Lupski Lab, Baylor-Hopkins CMG, Baylor College of Medicine
Classification: Likely pathogenic for Wolff-Parkinson-White pattern. Last evaluated: 2017-07-14. Review status: flagged submission. Collection method: research. Allele origin: unknown. Affected: yes. Observed: 1 variant allele. Study: Candidate_variants_in_patients_with_ Wolff-Parkinson-White Syndrome. Not counted in ClinVar's aggregate classification.
ClinVar note: Reason: Outlier claim with insufficient supporting evidence

OMIM
Classification: Pathogenic for CARDIOMYOPATHY, DILATED, 1EE. Last evaluated: 2005-07-05. Review status: flagged submission. Collection method: literature only. Allele origin: germline. Not counted in ClinVar's aggregate classification.
ClinVar note: Reason: Older claim that does not account for recent evidence

Laboratory of Genetics and Molecular Cardiology, University of São Paulo
Classification: Uncertain significance for Hypertrophic cardiomyopathy 14. Review status: flagged submission. Criteria: LGCM Criteria August 2015. Collection method: clinical testing. Allele origin: germline. Affected: yes. Observed: 1 variant allele. Study: Sarcomeric Human Cardiomyopathy Registry (ShaRe). Not counted in ClinVar's aggregate classification.
ClinVar note: Reason: Outlier claim with insufficient supporting evidence

Literature cited by the submitters: PubMed 15998695 (cited by 6 submitters); PubMed 22361390 (cited by 4 submitters); PubMed 20215591 (cited by 4 submitters); PubMed 22194935 (cited by 5 submitters); PubMed 24119082 (cited by Women's Health and Genetics/Laboratory Corporation of America, LabCorp and Laboratory for Molecular Medicine, Mass General Brigham Personalized Medicine); PubMed 20656787 (cited by Victorian Clinical Genetics Services, Murdoch Childrens Research Institute); PubMed 27194543 (cited by Ambry Genetics); PubMed 28088328 (cited by Ambry Genetics); PubMed 23299917 (cited by Laboratory for Molecular Medicine, Mass General Brigham Personalized Medicine).